The following is an entry in ClinVar:

NM_000443.4(ABCB4):c.3487-88T>C

Gene: ABCB4 (ATP binding cassette subfamily B member 4; minus strand). Cytogenetic location: 7q21.12.
Variant type: single nucleotide variant.
Coding change: c.3487-88T>C on transcript NM_000443.4 (MANE Select); 88 bases into the intron before coding-DNA position 3487, T replaced by C.
Molecular consequence: intron variant.
Genome position (GRCh38, 1-based): chr7:87,403,369, A>G on the plus strand (T>C on the coding strand, the complement: ABCB4 is on the minus strand). VCF-style: chr7-87403369-A-G. GRCh37 (hg19) VCF-style: chr7-87032685-A-G.
Other names: c.3346-88T>C (NM_018850.3); c.3508-88T>C (NM_018849.3).
Identifiers: ClinVar variation 4846372 (VCV004846372.1).

ClinVar aggregate classification (germline): Likely benign (1 of 4 stars; one submission).

Conditions:
Familial intrahepatic cholestasis. Identifiers: Orphanet 284385, MedGen CN296401, MONDO:0017290.
Low phospholipid associated cholelithiasis (GBD1). Also called: Gallbladder disease 1; Gallstone cholecystitis. Identifiers: Orphanet 69663, MedGen C2609268, MONDO:0010939, OMIM 600803.

gnomAD v4.1: 480 of 1,267,848 alleles (0.038%); highest among the groups gnomAD compares: Admixed American, 0.087%; 1 homozygote.

Submission:

Genomenon, Inc
Classification: Likely benign for Familial intrahepatic cholestasis; Low phospholipid associated cholelithiasis. Last evaluated: 2026-04-14. Review status: criteria provided, single submitter. Criteria: Genomenon Sequence Variant Interpretation Standards - Updated. Collection method: curation. Allele origin: germline. Affected: no.
Comment: ABCB4 c.3487-88T>C is an intronic variant located in intron 26. This variant has been reported in the published literature (PMID:19467940). It is absent or not present at a significant frequency in gnomAD. This intronic variant is not predicted to impact splicing. In conclusion, we classify ABCB4 c.3487-88T>C as a likely benign variant.

Literature cited by the submitters: PubMed 19467940.